The following is an entry in ClinVar:

ClinVar aggregate classification (germline): Pathogenic (1 of 4 stars; one submission).

Conditions:
COL4A5-related disorder. Also called: COL4A5-related condition.

Submission:

PreventionGenetics, part of Exact Sciences
Classification: Pathogenic for COL4A5-related condition. Last evaluated: 2025-07-07. Review status: criteria provided, single submitter. Criteria: ACMG Guidelines, 2015. Collection method: clinical testing. Allele origin: germline.
Comment: The COL4A5 c.2405G>A variant is predicted to result in the amino acid substitution p.Gly802Glu. To our knowledge, this variant has not been reported in the literature. Different substitutions at this same amino acid (p.Gly802Arg, p.Gly802Val) has also been reported in patients with COL4A5-related disorders (Knebelmann et al. 1996. PubMed ID: 8940267; Yokota et al. 2017. PubMed ID: 27796712). The p.Gly802 residue is located in the triple-helical region (residues 42 – 1456) of the COL4A5 protein. The majority of pathogenic variants in COL4A5 substitute a glycine residue to a bulkier amino acid in the triple-helical domain (Hudson et al. 1993. PubMed ID: 8253711). This variant has not been reported in a large population database, indicating this variant is rare. This variant is interpreted as pathogenic.

NM_033380.3(COL4A5):c.2405G>A (p.Gly802Glu)

Gene: COL4A5 (collagen type IV alpha 5 chain; plus strand). Cytogenetic location: Xq22.3.
Variant type: single nucleotide variant.
Coding change: c.2405G>A on transcript NM_033380.3 (MANE Select); coding-DNA position 2405, G replaced by A.
Protein change: p.Gly802Glu; replaces glycine 802 with glutamic acid.
Molecular consequence: missense variant.
Genome position (GRCh38, 1-based): chrX:108,614,920, G>A. VCF-style: chrX-108614920-G-A. GRCh37 (hg19) VCF-style: chrX-107858150-G-A.
Other names: c.2405G>A, p.Gly802Glu (NM_000495.5); short protein forms G802E.
Identifiers: ClinVar variation 4983409 (VCV004983409.1).